The following is an entry in ClinVar:

NM_004082.5(DCTN1):c.3199G>T (p.Glu1067Ter)

Gene: DCTN1 (dynactin subunit 1; minus strand). Cytogenetic location: 2p13.1.
Variant type: single nucleotide variant.
Coding change: c.3199G>T on transcript NM_004082.5 (MANE Select); coding-DNA position 3199, G replaced by T.
Protein change: p.Glu1067Ter; replaces glutamic acid 1067 with a stop codon.
Molecular consequence: nonsense. On other transcripts: intron variant (3).
Genome position (GRCh38, 1-based): chr2:74,363,626, C>A on the plus strand (G>T on the coding strand, the complement: DCTN1 is on the minus strand). VCF-style: chr2-74363626-C-A. GRCh37 (hg19) VCF-style: chr2-74590753-C-A.
Other names: c.3178G>T, p.Glu1060Ter (NM_001190837.2); c.3148G>T, p.Glu1050Ter (NM_001378991.1); c.3130G>T, p.Glu1044Ter (NM_001378992.1); c.2797G>T, p.Glu933Ter (NM_023019.4); c.3086-199G>T (NM_001190836.2); c.3137-199G>T (NM_001135040.3); c.2795-199G>T (NM_001135041.3); short protein forms E1067*, E933*, E1060*, E1044*, E1050*.
Identifiers: ClinVar variation 536149 (VCV000536149.11), dbSNP rs376996779, ClinGen allele CA1721579.
Genomic context (GRCh38, chr2:74,363,626, plus strand): 5'-CTCCAACTCCCACCAGCCTGGTAACCCCCGGCCAGAGTGGGTCTCTACCTCGCTGCTGTT[C>A]TTCTGTGCTCGGGATAGCCCATGGGGGAGCAGGAAAAGAGGAGAGAGGAGTTAGGTGATT-3'

ClinVar aggregate classification (germline): Uncertain significance. Review status: criteria provided, multiple submitters, no conflicts (2 of 4 stars). 2 submissions from 2 submitters: Uncertain significance (2). Last evaluated 2025-12-31.

Conditions:
Amyotrophic lateral sclerosis type 1 (ALS1). Also called: AMYOTROPHIC LATERAL SCLEROSIS 1, FAMILIAL. Identifiers: Orphanet 803, MedGen C1862939, MONDO:0007103, OMIM 105400.
Neuronopathy, distal hereditary motor, type 7B. Also called: HMN VIIB; LOWER MOTOR NEURON DISEASE, DYNACTIN TYPE; Distal Hereditary Motor Neuronopathy Type 7B (dHMN7B); NEURONOPATHY, DISTAL HEREDITARY MOTOR, AUTOSOMAL DOMINANT 14; NEURONOPATHY, DISTAL HEREDITARY MOTOR, HARDING TYPE VIIB; NEUROPATHY, DISTAL HEREDITARY MOTOR, HARDING TYPE VIIB. Identifiers: Orphanet 139589, MedGen C1843315, MONDO:0011879, OMIM 607641.
Perry syndrome. Also called: PARKINSONISM WITH ALVEOLAR HYPOVENTILATION AND MENTAL DEPRESSION. Identifiers: Orphanet 178509, MedGen C1868594, MONDO:0008201, OMIM 168605.
Inborn genetic diseases. Identifiers: MedGen C0950123, MeSH D030342.

Allele frequency attached by ClinVar (database versions not stated): gnomAD 0.00001; TOPMed 0.00001; ESP Exome Variant Server 0.00008.
gnomAD v4.1: 67 of 1,613,686 alleles (0.0042%); highest among the groups gnomAD compares: Non-Finnish European, 0.0053%; no homozygotes.

Submissions (2):

Labcorp Genetics (formerly Invitae), Labcorp
Classification: Uncertain significance for Amyotrophic lateral sclerosis type 1; Neuronopathy, distal hereditary motor, type 7B; Perry syndrome. Last evaluated: 2025-12-31. Review status: criteria provided, single submitter. Criteria: Invitae Variant Classification Sherloc (09022015). Collection method: clinical testing. Allele origin: germline.
Comment: This sequence change creates a premature translational stop signal (p.Glu1067*) in the DCTN1 gene. It is expected to result in an absent or disrupted protein product. However, the current clinical and genetic evidence is not sufficient to establish whether loss-of-function variants in DCTN1 cause disease. This variant is present in population databases (rs376996779, gnomAD 0.003%). This variant has not been reported in the literature in individuals affected with DCTN1-related conditions. ClinVar contains an entry for this variant (Variation ID: 536149). Algorithms developed to predict the effect of sequence changes on RNA splicing suggest that this variant may disrupt the consensus splice site. In summary, the available evidence is currently insufficient to determine the role of this variant in disease. Therefore, it has been classified as a Variant of Uncertain Significance.

Ambry Genetics
Classification: Uncertain significance for Inborn genetic diseases. Last evaluated: 2020-12-02. Review status: criteria provided, single submitter. Criteria: Ambry Variant Classification Scheme 2023. Collection method: clinical testing. Allele origin: germline.
Comment: The p.E1067* variant (also known as c.3199G>T), located in coding exon 27 of the DCTN1 gene, results from a G to T substitution at nucleotide position 3199. This changes the amino acid from a glutamic acid to a stop codon within coding exon 27. This alteration is expected to result in premature protein truncation or nonsense-mediated mRNA decay. However, loss of function of DCTN1 has not been clearly established as a mechanism of disease. Since supporting evidence is limited at this time, the clinical significance of this alteration remains unclear.